The following is an entry in ClinVar:

NM_003238.6(TGFB2):c.-5A>T

Gene: TGFB2 (transforming growth factor beta 2; plus strand). Cytogenetic location: 1q41.
Variant type: single nucleotide variant.
Coding change: c.-5A>T on transcript NM_003238.6 (MANE Select); 5 bases upstream of the start codon, A replaced by T.
Molecular consequence: 5 prime UTR variant. On other transcripts: non-coding transcript variant (2).
Genome position (GRCh38, 1-based): chr1:218,346,697, A>T. VCF-style: chr1-218346697-A-T. GRCh37 (hg19) VCF-style: chr1-218520039-A-T.
Other names: c.-5A>T (NM_001135599.4).
Identifiers: ClinVar variation 213833 (VCV000213833.14), dbSNP rs200702935, ClinGen allele CA323334.

ClinVar aggregate classification (germline): Benign/Likely benign. Review status: criteria provided, multiple submitters, no conflicts (2 of 4 stars). 7 submissions from 7 submitters: Benign (4); Likely benign (3). Last evaluated 2024-03-25.

Conditions:
Ehlers-Danlos syndrome (EDS). Identifiers: Orphanet 98249, MedGen C0013720, MONDO:0020066.
Loeys-Dietz syndrome 4 (LDS4). Also called: TGFB2-Related Loeys-Dietz Syndrome; ANEURYSM, AORTIC AND CEREBRAL, WITH ARTERIAL TORTUOSITY AND SKELETAL MANIFESTATIONS. Identifiers: MedGen C3553762, MONDO:0013897, OMIM 614816.
Familial thoracic aortic aneurysm and aortic dissection (TAAD). Also called: Thoracic aortic aneurysms and dissections. Identifiers: Orphanet 91387, MedGen C4707243, MONDO:0019625.

Allele frequency attached by ClinVar (database versions not stated): ExAC 0.00045; gnomAD exomes 0.00060; TOPMed 0.00034.
gnomAD v4.1: 527 of 1,568,956 alleles (0.034%); highest among the groups gnomAD compares: Admixed American, 0.052%; no homozygotes.

Submissions (7):

Blueprint Genetics
Classification: Likely benign. Last evaluated: 2024-03-25. Review status: criteria provided, single submitter. Criteria: ACMG Guidelines, 2015. Collection method: clinical testing. Allele origin: germline.

Women's Health and Genetics/Laboratory Corporation of America, LabCorp
Classification: Benign. Last evaluated: 2023-08-10. Review status: criteria provided, single submitter. Criteria: LabCorp Variant Classification Summary - May 2015. Collection method: clinical testing. Allele origin: germline.

Genome Diagnostics Laboratory, The Hospital for Sick Children
Classification: Likely benign for Ehlers-Danlos syndrome. Last evaluated: 2020-09-29. Review status: criteria provided, single submitter. Criteria: ACMG Guidelines, 2015. Collection method: clinical testing. Allele origin: germline.

Illumina Laboratory Services, Illumina
Classification: Benign for Loeys-Dietz syndrome 4. Last evaluated: 2018-01-13. Review status: criteria provided, single submitter. Criteria: ICSL Variant Classification Criteria 13 December 2019. Collection method: clinical testing. Allele origin: germline.
Comment: This variant was observed in the ICSL laboratory as part of a predisposition screen in an ostensibly healthy population. It had not been previously curated by ICSL or reported in the Human Gene Mutation Database (HGMD: prior to June 1st, 2018), and was therefore a candidate for classification through an automated scoring system. Utilizing variant allele frequency, disease prevalence and penetrance estimates, and inheritance mode, an automated score was calculated to assess if this variant is too frequent to cause the disease. Based on the score and internal cut-off values, a variant classified as benign is not then subjected to further curation. The score for this variant resulted in a classification of benign for this disease.

Ambry Genetics
Classification: Benign for Familial thoracic aortic aneurysm and aortic dissection. Last evaluated: 2017-02-02. Review status: criteria provided, single submitter. Criteria: Ambry Variant Classification Scheme 2023. Collection method: clinical testing. Allele origin: germline.

CHEO Genetics Diagnostic Laboratory, Children's Hospital of Eastern Ontario
Classification: Likely benign for Familial thoracic aortic aneurysm and aortic dissection. Last evaluated: 2016-03-30. Review status: criteria provided, single submitter. Criteria: ACMG Guidelines, 2015. Collection method: clinical testing. Allele origin: germline. Study: Canadian Open Genetics Repository.

GeneDx
Classification: Benign. Last evaluated: 2015-07-20. Review status: criteria provided, single submitter. Criteria: GeneDx Variant Classification (06012015). Collection method: clinical testing. Allele origin: germline. Affected: yes.
Comment: This variant is considered likely benign or benign based on one or more of the following criteria: it is a conservative change, it occurs at a poorly conserved position in the protein, it is predicted to be benign by multiple in silico algorithms, and/or has population frequency not consistent with disease.